The following is an entry in ClinVar:

NM_000169.3(GLA):c.369+12_369+15del

Genes: GLA (galactosidase alpha; minus strand), RPL36A-HNRNPH2 (RPL36A-HNRNPH2 readthrough; plus strand). Cytogenetic location: Xq22.1.
Variant type: Deletion.
Coding change: c.369+12_369+15del on transcript NM_000169.3 (MANE Select); bases 12 to 15 of the intron after coding-DNA position 369, 4 bases deleted (GATA; older notation c.369+12_369+15delGATA).
Molecular consequence: intron variant.
Genome position (GRCh38, 1-based): chrX:101,403,796-101,403,799, TATC deleted on the plus strand (GATA on the coding strand, the reverse complement: GLA is on the minus strand); deleting any 4 consecutive bases within chrX:101,403,796-101,403,802 gives the same sequence; the c. name uses the placement nearest the transcript's 3' end. VCF-style (leftmost placement, unchanged base first): chrX-101403795-TTATC-T. GRCh37 (hg19) VCF-style: chrX-100658783-TTATC-T.
Other names: c.301-8137_301-8134del (NM_001199973.2); c.178-8137_178-8134del (NM_001199974.2); c.492+12_492+15del (NM_001406747.1, NM_001406749.1); c.369+12_369+15delGATA (NM_000169.3); c.369+12_369+15del (NM_001406748.1).
Identifiers: ClinVar variation 3233531 (VCV003233531.3), dbSNP rs1555986226, ClinGen allele CA643537188.
Genomic context (GRCh38, chrX:101,403,795, plus strand): 5'-GCTGTTTCTAAACAAGCTTCTGTACAGAAGTGCTTACAGTCCTCTGAATGAACAAGAACA[TTATC>T]TATAAACTCACATAATTAGCTAGCTGGCGAATCCCATGAGGAAAGCGCTGAGGGTCTGCC-3'

ClinVar aggregate classification (germline): Likely benign. Review status: criteria provided, multiple submitters, no conflicts (2 of 4 stars). 2 submissions from 2 submitters: Likely benign (2). Last evaluated 2025-05-27.

Conditions:
Fabry disease. Also called: Fabry's disease; ALPHA-GALACTOSIDASE A DEFICIENCY; ANDERSON-FABRY DISEASE; CERAMIDE TRIHEXOSIDASE DEFICIENCY; GLA DEFICIENCY; HEREDITARY DYSTOPIC LIPIDOSIS. Identifiers: Orphanet 324, MedGen C0002986, MONDO:0010526, OMIM 301500, HP:0001071. Disease mechanism: Fabry disease is due to inactivating mutations in the X-linked GLA gene resulting in deficiency of the enzyme Alpha Galactosidase-A., loss of function.

Submissions (2):

Labcorp Genetics (formerly Invitae), Labcorp
Classification: Likely benign for Fabry disease. Last evaluated: 2025-05-27. Review status: criteria provided, single submitter. Criteria: Invitae Variant Classification Sherloc (09022015). Collection method: clinical testing. Allele origin: germline.

Women's Health and Genetics/Laboratory Corporation of America, LabCorp
Classification: Likely benign. Last evaluated: 2024-03-11. Review status: criteria provided, single submitter. Criteria: LabCorp Variant Classification Summary - May 2015. Collection method: clinical testing. Allele origin: germline.
Comment: Variant summary: GLA c.369+12_369+15delGATA alters a non-conserved nucleotide located at a position not widely known to affect splicing. Consensus agreement among computation tools predict no significant impact on normal splicing. However, these predictions have yet to be confirmed by functional studies. The variant allele was found at a frequency of 5.5e-06 in 182344 control chromosomes. The available data on variant occurrences in the general population are insufficient to allow any conclusion about variant significance. To our knowledge, no occurrence of c.369+12_369+15delGATA in individuals affected with Fabry Disease and no experimental evidence demonstrating its impact on protein function have been reported. No submitters have cited clinical-significance assessments for this variant to ClinVar. Based on the evidence outlined above, the variant was classified as likely benign.